The following is an entry in ClinVar:

NM_032447.5(FBN3):c.4781A>G (p.Tyr1594Cys)

Gene: FBN3 (fibrillin 3; minus strand). Cytogenetic location: 19p13.2.
Variant type: single nucleotide variant.
Coding change: c.4781A>G on transcript NM_032447.5 (MANE Select); coding-DNA position 4781, A replaced by G.
Protein change: p.Tyr1594Cys; replaces tyrosine 1594 with cysteine.
Molecular consequence: missense variant.
Genome position (GRCh38, 1-based): chr19:8,106,140, T>C on the plus strand (A>G on the coding strand, the complement: FBN3 is on the minus strand). VCF-style: chr19-8106140-T-C. GRCh37 (hg19) VCF-style: chr19-8171024-T-C.
Other names: c.4781A>G, p.Tyr1594Cys (NM_001321431.2); short protein forms Y1594C.
Identifiers: ClinVar variation 4771230 (VCV004771230.1).

ClinVar aggregate classification (germline): Uncertain significance (1 of 4 stars; one submission).

gnomAD v4.1: 1 of 1,614,076 alleles (0.000062%); highest among the groups gnomAD compares: African/African-American, 0.0013%; no homozygotes.

Submission:

Labcorp Genetics (formerly Invitae), Labcorp
Classification: Uncertain significance. Last evaluated: 2025-03-26. Review status: criteria provided, single submitter. Criteria: Invitae Variant Classification Sherloc (09022015). Collection method: clinical testing. Allele origin: germline.
Comment: This sequence change replaces tyrosine, which is neutral and polar, with cysteine, which is neutral and slightly polar, at codon 1594 of the FBN3 protein (p.Tyr1594Cys). This variant is not present in population databases (gnomAD no frequency). This variant has not been reported in the literature in individuals affected with FBN3-related conditions. Invitae Evidence Modeling of protein sequence and biophysical properties (such as structural, functional, and spatial information, amino acid conservation, physicochemical variation, residue mobility, and thermodynamic stability) has been performed for this missense variant. However, the output from this modeling did not meet the statistical confidence thresholds required to predict the impact of this variant on FBN3 protein function. In summary, the available evidence is currently insufficient to determine the role of this variant in disease. Therefore, it has been classified as a Variant of Uncertain Significance.